The following is an entry in ClinVar:

ClinVar aggregate classification (germline): Conflicting classifications of pathogenicity. Review status: criteria provided, conflicting classifications (1 of 4 stars). 2 submissions from 2 submitters: Uncertain significance (1); Likely benign (1). Last evaluated 2024-12-24.

Allele frequency attached by ClinVar (database versions not stated): gnomAD exomes below 0.00001 and 0.00001; TOPMed 0.00001.
gnomAD v4.1: 4 of 1,614,224 alleles (0.00025%); highest among the groups gnomAD compares: South Asian, 0.0011%; no homozygotes.

Submissions (2):

Labcorp Genetics (formerly Invitae), Labcorp
Classification: Uncertain significance. Last evaluated: 2024-12-24. Review status: criteria provided, single submitter. Criteria: Invitae Variant Classification Sherloc (09022015). Collection method: clinical testing. Allele origin: germline.
Comment: This sequence change replaces valine, which is neutral and non-polar, with alanine, which is neutral and non-polar, at codon 170 of the SIAE protein (p.Val170Ala). This variant is present in population databases (no rsID available, gnomAD 0.003%). This variant has not been reported in the literature in individuals affected with SIAE-related conditions. ClinVar contains an entry for this variant (Variation ID: 1425684). An algorithm developed to predict the effect of missense changes on protein structure and function outputs the following: PolyPhen-2: "Benign". The alanine amino acid residue is found in multiple mammalian species, which suggests that this missense change does not adversely affect protein function. In summary, the available evidence is currently insufficient to determine the role of this variant in disease. Therefore, it has been classified as a Variant of Uncertain Significance.

Ambry Genetics
Classification: Likely benign. Last evaluated: 2021-10-12. Review status: criteria provided, single submitter. Criteria: Ambry Variant Classification Scheme 2023. Collection method: clinical testing. Allele origin: germline.

NM_170601.5(SIAE):c.509T>C (p.Val170Ala)

Gene: SIAE (sialic acid acetylesterase; minus strand). Cytogenetic location: 11q24.2.
Variant type: single nucleotide variant.
Coding change: c.509T>C on transcript NM_170601.5 (MANE Select); coding-DNA position 509, T replaced by C.
Protein change: p.Val170Ala; replaces valine 170 with alanine.
Molecular consequence: missense variant.
Genome position (GRCh38, 1-based): chr11:124,654,690, A>G on the plus strand (T>C on the coding strand, the complement: SIAE is on the minus strand). VCF-style: chr11-124654690-A-G. GRCh37 (hg19) VCF-style: chr11-124524586-A-G.
Other names: c.404T>C, p.Val135Ala (NM_001199922.2); c.509T>C (NM_170601.4); short protein forms V170A, V135A.
Identifiers: ClinVar variation 1425684 (VCV001425684.9), dbSNP rs943232433, ClinGen allele CA230395081.